The following is an entry in ClinVar:

NM_033028.5(BBS4):c.1327C>G (p.Pro443Ala)

Gene: BBS4 (Bardet-Biedl syndrome 4; plus strand). Cytogenetic location: 15q24.1.
Variant type: single nucleotide variant.
Coding change: c.1327C>G on transcript NM_033028.5 (MANE Select); coding-DNA position 1327, C replaced by G.
Protein change: p.Pro443Ala; replaces proline 443 with alanine.
Molecular consequence: missense variant. On other transcripts: non-coding transcript variant (2).
Genome position (GRCh38, 1-based): chr15:72,736,840, C>G. VCF-style: chr15-72736840-C-G. GRCh37 (hg19) VCF-style: chr15-73029181-C-G.
Other names: c.811C>G, p.Pro271Ala (NM_001252678.2); c.1258C>G, p.Pro420Ala (NM_001320665.2); c.1327C>G (NM_033028.4, NM_033028.3); short protein forms P420A, P271A, P443A.
Identifiers: ClinVar variation 1368538 (VCV001368538.6), dbSNP rs760115702, ClinGen allele CA272646552.

ClinVar aggregate classification (germline): Uncertain significance. Review status: criteria provided, multiple submitters, no conflicts (2 of 4 stars). 4 submissions from 4 submitters: Uncertain significance (4). Last evaluated 2025-10-09.

Conditions:
Bardet-Biedl syndrome 4 (BBS4). Identifiers: Orphanet 110, MedGen C2936864, MONDO:0014433, OMIM 615982.
BBS4-related disorder. Also called: BBS4-related condition.
Inborn genetic diseases. Identifiers: MedGen C0950123, MeSH D030342.
Bardet-Biedl syndrome (BBS). Identifiers: Orphanet 110, MedGen C0752166, MONDO:0015229.

Allele frequency attached by ClinVar (database versions not stated): gnomAD exomes 0.00002; TOPMed 0.00002; gnomAD 0.00003.
gnomAD v4.1: 79 of 1,614,052 alleles (0.0049%); highest among the groups gnomAD compares: Non-Finnish European, 0.0067%; no homozygotes.

Submissions (4):

PreventionGenetics, part of Exact Sciences
Classification: Uncertain significance for BBS4-related condition. Last evaluated: 2025-10-09. Review status: criteria provided, single submitter. Criteria: ACMG Guidelines, 2015. Collection method: clinical testing. Allele origin: germline.
Comment: The BBS4 c.1327C>G variant is predicted to result in the amino acid substitution p.Pro443Ala. To our knowledge, this variant has not been reported in the literature. This variant is reported in 0.0035% of alleles in individuals of European (Non-Finnish) descent in gnomAD. At this time, the clinical significance of this variant is uncertain due to the absence of conclusive functional and genetic evidence.

Ambry Genetics
Classification: Uncertain significance for Inborn genetic diseases. Last evaluated: 2024-03-29. Review status: criteria provided, single submitter. Criteria: Ambry Variant Classification Scheme 2023. Collection method: clinical testing. Allele origin: germline.

Fulgent Genetics
Classification: Uncertain significance for Bardet-Biedl syndrome 4. Last evaluated: 2024-03-26. Review status: criteria provided, single submitter. Criteria: ACMG Guidelines, 2015. Collection method: clinical testing. Allele origin: germline.

Labcorp Genetics (formerly Invitae), Labcorp
Classification: Uncertain significance for Bardet-Biedl syndrome. Last evaluated: 2022-08-02. Review status: criteria provided, single submitter. Criteria: Invitae Variant Classification Sherloc (09022015). Collection method: clinical testing. Allele origin: germline.
Comment: This sequence change replaces proline, which is neutral and non-polar, with alanine, which is neutral and non-polar, at codon 443 of the BBS4 protein (p.Pro443Ala). This variant is present in population databases (rs760115702, gnomAD 0.004%). This variant has not been reported in the literature in individuals affected with BBS4-related conditions. ClinVar contains an entry for this variant (Variation ID: 1368538). Algorithms developed to predict the effect of missense changes on protein structure and function output the following: SIFT: "Tolerated"; PolyPhen-2: "Benign"; Align-GVGD: "Class C0". The alanine amino acid residue is found in multiple mammalian species, which suggests that this missense change does not adversely affect protein function. In summary, the available evidence is currently insufficient to determine the role of this variant in disease. Therefore, it has been classified as a Variant of Uncertain Significance.